The following is an entry in ClinVar:

ClinVar aggregate classification (germline): Uncertain significance. Review status: criteria provided, multiple submitters, no conflicts (2 of 4 stars). 2 submissions from 2 submitters: Uncertain significance (2). Last evaluated 2025-02-19.

Conditions:
Familial thoracic aortic aneurysm and aortic dissection (TAAD). Also called: Thoracic aortic aneurysms and dissections. Identifiers: Orphanet 91387, MedGen C4707243, MONDO:0019625.
Aortic aneurysm, familial thoracic 7 (AAT7). Also called: AORTIC DISSECTION, FAMILIAL, WITH OR WITHOUT AORTIC ANEURYSM. Identifiers: MedGen C3151077, MONDO:0013418, OMIM 613780.

gnomAD v4.1: 2 of 1,614,010 alleles (0.00012%); highest among the groups gnomAD compares: Non-Finnish European, 0.00017%; no homozygotes.

Submissions (3):

Labcorp Genetics (formerly Invitae), Labcorp
Classification: Uncertain significance for Aortic aneurysm, familial thoracic 7. Last evaluated: 2025-02-19. Review status: criteria provided, single submitter. Criteria: Invitae Variant Classification Sherloc (09022015). Collection method: clinical testing. Allele origin: germline.
Comment: This sequence change replaces glutamic acid, which is acidic and polar, with glutamine, which is neutral and polar, at codon 1802 of the MYLK protein (p.Glu1802Gln). This variant is present in population databases (rs764805187, gnomAD 0.0009%). This variant has not been reported in the literature in individuals affected with MYLK-related conditions. Invitae Evidence Modeling of protein sequence and biophysical properties (such as structural, functional, and spatial information, amino acid conservation, physicochemical variation, residue mobility, and thermodynamic stability) indicates that this missense variant is not expected to disrupt MYLK protein function with a negative predictive value of 80%. In summary, the available evidence is currently insufficient to determine the role of this variant in disease. Therefore, it has been classified as a Variant of Uncertain Significance.

Centre of Medical Genetics, University of Antwerp
Classification: Uncertain significance for Familial thoracic aortic aneurysm and aortic dissection. Last evaluated: 2024-09-06. Review status: criteria provided, single submitter. Criteria: ACMG Guidelines, 2015. Collection method: clinical testing. Allele origin: germline. Affected: yes.

Dr. Peter K. Rogan Lab, Western University
No classification provided (evidence only). Condition: Melanoma. Review status: no classification provided. Collection method: in vitro. Allele origin: not applicable. Functional consequence: retained intron. Not counted in ClinVar's aggregate classification.

NM_053025.4(MYLK):c.5404G>C (p.Glu1802Gln)

Genes: MYLK (myosin light chain kinase; minus strand), MYLK-AS1 (MYLK antisense RNA 1; plus strand). Cytogenetic location: 3q21.1.
Variant type: single nucleotide variant.
Coding change: c.5404G>C on transcript NM_053025.4 (MANE Select); coding-DNA position 5404, G replaced by C.
Protein change: p.Glu1802Gln; replaces glutamic acid 1802 with glutamine.
Molecular consequence: missense variant.
Genome position (GRCh38, 1-based): chr3:123,618,735, C>G on the plus strand (G>C on the coding strand, the complement: MYLK is on the minus strand). VCF-style: chr3-123618735-C-G. GRCh37 (hg19) VCF-style: chr3-123337582-C-G.
Other names: NC_000003.11:g.123337582C>G; c.5044G>C, p.Glu1682Gln (NM_053028.4); c.121G>C, p.Glu41Gln (NM_053031.4, NM_001438035.1); c.124G>C, p.Glu42Gln (NM_053032.4); c.4876G>C, p.Glu1626Gln (NM_001321309.2); c.5197G>C, p.Glu1733Gln (NM_053026.4); c.5251G>C, p.Glu1751Gln (NM_053027.4); short protein forms E1626Q, E1751Q, E1682Q, E42Q, E1802Q, E41Q, E1733Q.
Identifiers: ClinVar variation 4520092 (VCV004520092.3).
Genomic context (GRCh38, chr3:123,618,735, plus strand): 5'-CCACAACTTCTAAATCGCGAATGGTCTTAGAGAAATAGGGTTTTACATGAGGCTTTTCCT[C>G]AGCAACAGCCTCAAGGAAAGCTTGGGACACATCTTCTAGAAGACAGAGAAGAAGACCAGG-3'
Protein context (NP_444253.3, residues 1792-1812): VSQAFLEAVA[Glu1802Gln]EKPHVKPYFS